The following is an entry in ClinVar:

NM_002905.5(RDH5):c.480C>T (p.Asn160=)

Genes: BLOC1S1-RDH5 (BLOC1S1-RDH5 readthrough; plus strand), RDH5 (retinol dehydrogenase 5; plus strand). Cytogenetic location: 12q13.2.
Variant type: single nucleotide variant.
Coding change: c.480C>T on transcript NM_002905.5 (MANE Select); coding-DNA position 480, C replaced by T.
Protein change: p.Asn160=; no amino-acid change (asparagine 160 retained).
Molecular consequence: synonymous variant. On other transcripts: non-coding transcript variant (1).
Genome position (GRCh38, 1-based): chr12:55,721,858, C>T. VCF-style: chr12-55721858-C-T. GRCh37 (hg19) VCF-style: chr12-56115642-C-T.
Other names: c.480C>T, p.Asn160= (NM_001199771.3); c.480C>T (NM_002905.3).
Identifiers: ClinVar variation 1139439 (VCV001139439.11), dbSNP rs201493419, ClinGen allele CA6616847.

ClinVar aggregate classification (germline): Likely benign. Review status: criteria provided, multiple submitters, no conflicts (2 of 4 stars). 3 submissions from 3 submitters: Likely benign (3). Last evaluated 2025-10-23.

Conditions:
RDH5-related disorder. Also called: RDH5-related condition.

Allele frequency attached by ClinVar (database versions not stated): ExAC 0.00001; gnomAD exomes 0.00001 and 0.00002; ESP Exome Variant Server 0.00008; TOPMed 0.00010; gnomAD 0.00015; 1000 Genomes Project 30x 0.00016; 1000 Genomes Project 0.00020.
gnomAD v4.1: 54 of 1,614,080 alleles (0.0033%); highest among the groups gnomAD compares: African/African-American, 0.065%; no homozygotes.

Submissions (3):

PreventionGenetics, part of Exact Sciences
Classification: Likely benign for RDH5-related condition. Last evaluated: 2025-10-23. Review status: criteria provided, single submitter. Criteria: ACMG Guidelines, 2015. Collection method: clinical testing. Allele origin: germline.
Comment: This variant is classified as likely benign based on ACMG/AMP sequence variant interpretation guidelines (Richards et al. 2015 PMID: 25741868, with internal and published modifications).

Labcorp Genetics (formerly Invitae), Labcorp
Classification: Likely benign. Last evaluated: 2025-09-28. Review status: criteria provided, single submitter. Criteria: Invitae Variant Classification Sherloc (09022015). Collection method: clinical testing. Allele origin: germline.

Blueprint Genetics
Classification: Likely benign. Last evaluated: 2023-01-03. Review status: criteria provided, single submitter. Criteria: ACMG Guidelines, 2015. Collection method: clinical testing. Allele origin: germline.